The following is an entry in ClinVar:

ClinVar aggregate classification (germline): Likely benign (1 of 4 stars; one submission).

Allele frequency attached by ClinVar (database versions not stated): gnomAD 0.02329 and 0.02312; 1000 Genomes Project 30x 0.01593; 1000 Genomes Project 0.01597; TOPMed 0.02241.
gnomAD v4.1: 3,507 of 152,184 alleles (2.3%); highest among the groups gnomAD compares: Non-Finnish European, 3.5%; 58 homozygotes.

Submission:

GeneDx
Classification: Likely benign. Last evaluated: 2018-06-19. Review status: criteria provided, single submitter. Criteria: GeneDx Variant Classification (06012015). Collection method: clinical testing. Allele origin: germline. Affected: yes.
Comment: This variant is considered likely benign or benign based on one or more of the following criteria: it is a conservative change, it occurs at a poorly conserved position in the protein, it is predicted to be benign by multiple in silico algorithms, and/or has population frequency not consistent with disease.

NM_182961.4(SYNE1):c.1633-191C>T

Gene: SYNE1 (spectrin repeat containing nuclear envelope protein 1; minus strand). Cytogenetic location: 6q25.2.
Variant type: single nucleotide variant.
Coding change: c.1633-191C>T on transcript NM_182961.4 (MANE Select); 191 bases into the intron before coding-DNA position 1633, C replaced by T.
Molecular consequence: intron variant.
Genome position (GRCh38, 1-based): chr6:152,466,269, G>A on the plus strand (C>T on the coding strand, the complement: SYNE1 is on the minus strand). VCF-style: chr6-152466269-G-A. GRCh37 (hg19) VCF-style: chr6-152787404-G-A.
Other names: c.1654-191C>T (NM_033071.5).
Identifiers: ClinVar variation 677362 (VCV000677362.1), dbSNP rs145989762, ClinGen allele CA150205432.